The following is an entry in ClinVar:

ClinVar aggregate classification (germline): Uncertain significance (1 of 4 stars; one submission).

Conditions:
Frontotemporal dementia and/or amyotrophic lateral sclerosis 1 (FTDALS1). Also called: C9orf72 Frontotemporal Dementia and/or Amyotrophic Lateral Sclerosis; Frontotemporal dementia with motor neuron disease 1. Identifiers: Orphanet 275872, MedGen C5779877, MONDO:0007105, OMIM 105550.
Paget disease of bone 2, early-onset (PDB2). Also called: Paget disease of bone 2. Identifiers: MedGen C4085251, MONDO:0011183, OMIM 602080.

Submission:

Labcorp Genetics (formerly Invitae), Labcorp
Classification: Uncertain significance for Paget disease of bone 2, early-onset; Frontotemporal dementia and/or amyotrophic lateral sclerosis 1. Last evaluated: 2025-07-21. Review status: criteria provided, single submitter. Criteria: Invitae Variant Classification Sherloc (09022015). Collection method: clinical testing. Allele origin: germline.
Comment: This sequence change replaces threonine, which is neutral and polar, with asparagine, which is neutral and polar, at codon 138 of the SQSTM1 protein (p.Thr138Asn). This variant is not present in population databases (gnomAD no frequency). This variant has not been reported in the literature in individuals affected with SQSTM1-related conditions. Invitae Evidence Modeling of protein sequence and biophysical properties (such as structural, functional, and spatial information, amino acid conservation, physicochemical variation, residue mobility, and thermodynamic stability) indicates that this missense variant is not expected to disrupt SQSTM1 protein function with a negative predictive value of 80%. In summary, the available evidence is currently insufficient to determine the role of this variant in disease. Therefore, it has been classified as a Variant of Uncertain Significance.

NM_003900.5(SQSTM1):c.413C>A (p.Thr138Asn)

Gene: SQSTM1 (sequestosome 1; plus strand). Cytogenetic location: 5q35.3.
Variant type: single nucleotide variant.
Coding change: c.413C>A on transcript NM_003900.5 (MANE Select); coding-DNA position 413, C replaced by A.
Protein change: p.Thr138Asn; replaces threonine 138 with asparagine.
Molecular consequence: missense variant.
Genome position (GRCh38, 1-based): chr5:179,823,969, C>A. VCF-style: chr5-179823969-C-A. GRCh37 (hg19) VCF-style: chr5-179250969-C-A.
Other names: c.161C>A, p.Thr54Asn (NM_001142298.2, NM_001142299.2); short protein forms T138N, T54N.
Identifiers: ClinVar variation 4790017 (VCV004790017.1).